The following is an entry in ClinVar:

ClinVar aggregate classification (germline): Likely pathogenic (1 of 4 stars; one submission).

Submission:

Labcorp Genetics (formerly Invitae), Labcorp
Classification: Likely pathogenic. Last evaluated: 2021-10-22. Review status: criteria provided, single submitter. Criteria: Invitae Variant Classification Sherloc (09022015). Collection method: clinical testing. Allele origin: germline.
Comment: Algorithms developed to predict the effect of sequence changes on RNA splicing suggest that this variant may disrupt the consensus splice site. This variant has not been reported in the literature in individuals affected with NFKB1-related conditions. This variant is not present in population databases (ExAC no frequency). This sequence change affects a donor splice site in intron 13 of the NFKB1 gene. It is expected to disrupt RNA splicing. Variants that disrupt the donor or acceptor splice site typically lead to a loss of protein function (PMID: 16199547), and loss-of-function variants in NFKB1 are known to be pathogenic (PMID: 26279205, 29477724). In summary, the currently available evidence indicates that the variant is pathogenic, but additional data are needed to prove that conclusively. Therefore, this variant has been classified as Likely Pathogenic.

Literature cited by the submitters: PubMed 16199547; PubMed 26279205; PubMed 29477724.

NM_003998.4(NFKB1):c.1300+1G>T

Gene: NFKB1 (nuclear factor kappa B subunit 1; plus strand). Cytogenetic location: 4q24.
Variant type: single nucleotide variant.
Coding change: c.1300+1G>T on transcript NM_003998.4 (MANE Select); the canonical splice donor site of the intron after coding-DNA position 1300, G replaced by T.
Molecular consequence: splice donor variant.
Genome position (GRCh38, 1-based): chr4:102,594,982, G>T. VCF-style: chr4-102594982-G-T. GRCh37 (hg19) VCF-style: chr4-103516139-G-T.
Other names: c.1300+1G>T (NM_001382626.1, NM_001382625.1); c.1297+1G>T (NM_001382627.1, NM_001165412.2, NM_001319226.2); c.1258+1G>T (NM_001382628.1).
Identifiers: ClinVar variation 1516981 (VCV001516981.6), dbSNP rs2149205109, ClinGen allele CA357750791.
Genomic context (GRCh38, chr4:102,594,982, plus strand): 5'-CTTATGGTGGGATTACTTTCCATCCTGGAACTACTAAATCTAATGCTGGGATGAAGCATG[G>T]TAAGTAATGCTTTGTTCTTAATACCAAGAAAGGAAAAAAATAATTAATGCTAAAAAGGGT-3'